The following is an entry in ClinVar:

NM_001267550.2(TTN):c.29127C>G (p.Val9709=)

Gene: TTN (titin; minus strand). Cytogenetic location: 2q31.2.
Variant type: single nucleotide variant.
Coding change: c.29127C>G on transcript NM_001267550.2 (MANE Select); coding-DNA position 29127, C replaced by G.
Protein change: p.Val9709=; no amino-acid change (valine 9709 retained).
Molecular consequence: synonymous variant. On other transcripts: intron variant (3).
Genome position (GRCh38, 1-based): chr2:178,706,869, G>C on the plus strand (C>G on the coding strand, the complement: TTN is on the minus strand). VCF-style: chr2-178706869-G-C. GRCh37 (hg19) VCF-style: chr2-179571596-G-C.
Other names: c.28176C>G, p.Val9392= (NM_001256850.1); c.25395C>G, p.Val8465= (NM_133378.4); c.13282+31213C>G (NM_003319.4); c.13858+31213C>G (NM_133437.4); c.13657+31213C>G (NM_133432.3).
Identifiers: ClinVar variation 374585 (VCV000374585.51), dbSNP rs769063245, ClinGen allele CA1999455.

ClinVar aggregate classification (germline): Likely benign. Review status: criteria provided, multiple submitters, no conflicts (2 of 4 stars). 3 submissions from 3 submitters: Likely benign (3). Last evaluated 2025-08-14.

Conditions:
Dilated cardiomyopathy 1G (CMD1G). Identifiers: Orphanet 154, MedGen C1858763, MONDO:0011400, OMIM 604145.
Autosomal recessive limb-girdle muscular dystrophy type 2J (LGMDR10). Also called: MUSCULAR DYSTROPHY, LIMB-GIRDLE, AUTOSOMAL RECESSIVE 10; Limb-girdle muscular dystrophy, type 2J. Identifiers: Orphanet 140922, MedGen C1837342, MONDO:0012127, OMIM 608807.

gnomAD v4.1: 35 of 1,611,722 alleles (0.0022%); highest among the groups gnomAD compares: South Asian, 0.038%; no homozygotes.

Submissions (3):

Labcorp Genetics (formerly Invitae), Labcorp
Classification: Likely benign for Dilated cardiomyopathy 1G; Autosomal recessive limb-girdle muscular dystrophy type 2J. Last evaluated: 2025-08-14. Review status: criteria provided, single submitter. Criteria: Invitae Variant Classification Sherloc (09022015). Collection method: clinical testing. Allele origin: germline.

Molecular Diagnostic Laboratory for Inherited Cardiovascular Disease, Montreal Heart Institute
Classification: Likely benign. Last evaluated: 2025-04-09. Review status: criteria provided, single submitter. Criteria: ACMG Guidelines, 2015. Collection method: clinical testing. Allele origin: germline. Affected: no.

CeGaT Center for Human Genetics Tuebingen
Classification: Likely benign. Last evaluated: 2022-04-01. Review status: criteria provided, single submitter. Criteria: CeGaT Center For Human Genetics Tuebingen Variant Classification Criteria Version 2. Collection method: clinical testing. Allele origin: germline. Affected: yes. Observed: 2 variant alleles.
Comment: TTN: BP4, BP7